The following is an entry in ClinVar:

NM_001370259.2(MEN1):c.649_654+2del

Gene: MEN1 (menin 1; minus strand). Cytogenetic location: 11q13.1.
Variant type: Deletion.
Coding change: c.649_654+2del on transcript NM_001370259.2 (MANE Select); coding-DNA position 649 through the canonical splice donor site of the intron after coding-DNA position 654, 8 bases deleted (GAGCGGGT; older notation c.649_654+2delGAGCGGGT).
Molecular consequence: splice donor variant. On other transcripts: intron variant (2).
Genome position (GRCh38, 1-based): chr11:64,807,889-64,807,896, ACCCGCTC deleted on the plus strand (GAGCGGGT on the coding strand, the reverse complement: MEN1 is on the minus strand); deleting any 8 consecutive bases within chr11:64,807,889-64,807,897 gives the same sequence; the c. name uses the placement nearest the transcript's 3' end. VCF-style (leftmost placement, unchanged base first): chr11-64807888-TACCCGCTC-T. GRCh37 (hg19) VCF-style: chr11-64575360-TACCCGCTC-T.
Other names: c.664_669+2del (NM_130804.3, NM_130803.3, NM_000244.4 and 3 more transcripts); c.649_654+2del (NM_130799.3, NM_001370260.2, NM_001370251.2 and 1 more transcripts); c.549+100_549+107del (NM_001370263.2, NM_001370262.2); c.664_669+2delGAGCGGGT (NM_000244.3).
Identifiers: ClinVar variation 36534 (VCV000036534.4), dbSNP rs386134258, ClinGen allele CA260470.

ClinVar aggregate classification (germline): Likely pathogenic (1 of 4 stars; one submission).

Conditions:
Multiple endocrine neoplasia, type 1 (MEN1). Also called: Endocrine adenomatosis multiple; MEN 1; MEA I; MEN I; WERMER SYNDROME. Identifiers: Orphanet 652, MedGen C0025267, MeSH D018761, MONDO:0007540, OMIM 131100.

Submission:

Women's Health and Genetics/Laboratory Corporation of America, LabCorp
Classification: Likely pathogenic for Multiple Endocrine Neoplasia Type 1. Last evaluated: 2011-08-18. Review status: criteria provided, single submitter. Criteria: LabCorp Variant Classification Summary - May 2015. Collection method: curation, clinical testing. Allele origin: germline. Inheritance: autosomal unknown. Affected: yes.
ClinVar note: Converted during submission from likely pathogenic to Likely pathogenic.